The following is an entry in ClinVar:

NM_001430.5(EPAS1):c.611A>G (p.Asn204Ser)

Genes: EPAS1 (endothelial PAS domain protein 1; plus strand), LOC126806210 (BRD4-independent group 4 enhancer GRCh37_chr2:46587586-46588785; plus strand). Cytogenetic location: 2p21.
Variant type: single nucleotide variant.
Coding change: c.611A>G on transcript NM_001430.5 (MANE Select); coding-DNA position 611, A replaced by G.
Protein change: p.Asn204Ser; replaces asparagine 204 with serine.
Molecular consequence: missense variant.
Genome position (GRCh38, 1-based): chr2:46,360,922, A>G. VCF-style: chr2-46360922-A-G. GRCh37 (hg19) VCF-style: chr2-46588061-A-G.
Other names: short protein forms N204S.
Identifiers: ClinVar variation 1751708 (VCV001751708.2), dbSNP rs770514486, ClinGen allele CA1644713.

ClinVar aggregate classification (germline): Uncertain significance (1 of 4 stars; one submission).

Conditions:
Inborn genetic diseases. Identifiers: MedGen C0950123, MeSH D030342.

Allele frequency attached by ClinVar (database versions not stated): gnomAD exomes below 0.00001; ExAC 0.00001.
gnomAD v4.1: 7 of 1,614,120 alleles (0.00043%); highest among the groups gnomAD compares: Admixed American, 0.0017%; no homozygotes.

Submission:

Ambry Genetics
Classification: Uncertain significance for Inborn genetic diseases. Last evaluated: 2024-03-22. Review status: criteria provided, single submitter. Criteria: Ambry Variant Classification Scheme 2023. Collection method: clinical testing. Allele origin: germline.
Comment: The p.N204S variant (also known as c.611A>G), located in coding exon 6 of the EPAS1 gene, results from an A to G substitution at nucleotide position 611. The asparagine at codon 204 is replaced by serine, an amino acid with highly similar properties. This amino acid position is conserved. In addition, this alteration is predicted to be tolerated by in silico analysis. Since supporting evidence is limited at this time, the clinical significance of this alteration remains unclear.